The following is an entry in ClinVar:

ClinVar aggregate classification (germline): Conflicting classifications of pathogenicity. Review status: criteria provided, conflicting classifications (1 of 4 stars). 9 submissions from 9 submitters: Uncertain significance (2); Benign (2); Likely benign (5). Last evaluated 2026-01-27.

Conditions:
Hereditary cancer-predisposing syndrome. Also called: Tumor predisposition; Hereditary neoplastic syndrome; Neoplastic Syndromes, Hereditary; Hereditary Cancer Syndrome. Identifiers: Orphanet 140162, MedGen C0027672, MeSH D009386, MONDO:0015356.
Nijmegen breakage syndrome-like disorder (NBSLD). Also called: MICROCEPHALY AND SPONTANEOUS CHROMOSOME INSTABILITY WITHOUT IMMUNODEFICIENCY; NBS-LIKE DISORDER; RAD50 DEFICIENCY. Identifiers: Orphanet 240760, MedGen C2751318, MONDO:0013118, OMIM 613078.

Allele frequency attached by ClinVar (database versions not stated): gnomAD exomes 0.00009 and 0.00021; ExAC 0.00026; gnomAD 0.00100 and 0.00111; ESP Exome Variant Server 0.00115; TOPMed 0.00122.
gnomAD v4.1: 292 of 1,613,778 alleles (0.018%); highest among the groups gnomAD compares: African/African-American, 0.32%; no homozygotes.

Submissions (9):

Labcorp Genetics (formerly Invitae), Labcorp
Classification: Benign for Hereditary cancer-predisposing syndrome. Last evaluated: 2026-01-27. Review status: criteria provided, single submitter. Criteria: Invitae Variant Classification Sherloc (09022015). Collection method: clinical testing. Allele origin: germline.

Dasa
Classification: Likely benign. Last evaluated: 2025-12-29. Review status: criteria provided, single submitter. Criteria: DASA Assertion Criteria. Collection method: clinical testing. Allele origin: germline.
Comment: NM_005732.4(RAD50):c.3253A>G (p.Ile1085Val) is interpreted based on available population and clinical evidence, including population frequency and no convincing observation in affected individuals. Based on the available data, this variant is classified as likely benign.

Blueprint Genetics
Classification: Likely benign. Last evaluated: 2024-02-20. Review status: criteria provided, single submitter. Criteria: ACMG Guidelines, 2015. Collection method: clinical testing. Allele origin: germline.

Quest Diagnostics Nichols Institute San Juan Capistrano
Classification: Likely benign. Last evaluated: 2023-03-30. Review status: criteria provided, single submitter. Criteria: Quest Diagnostics criteria. Collection method: clinical testing. Allele origin: unknown.

GeneDx
Classification: Uncertain significance. Last evaluated: 2023-01-24. Review status: criteria provided, single submitter. Criteria: GeneDx Variant Classification Process June 2021. Collection method: clinical testing. Allele origin: germline. Affected: yes.
Comment: Variants in candidate genes are classified as variants of uncertain significance in accordance with ACMG guidelines (Richards et al., 2015); In silico analysis supports that this missense variant does not alter protein structure/function; Observed in an individual with colorectal cancer (Dharwadkar et al., 2020); This variant is associated with the following publications: (PMID: 23555315, 33359728)

Revvity Omics, Revvity
Classification: Uncertain significance for Nijmegen breakage syndrome-like disorder. Last evaluated: 2022-06-22. Review status: criteria provided, single submitter. Criteria: ACMG Guidelines, 2015. Collection method: clinical testing. Allele origin: germline.

Sema4
Classification: Likely benign for Nijmegen breakage syndrome-like disorder. Last evaluated: 2021-05-26. Review status: criteria provided, single submitter. Criteria: Sema4 Curation Guidelines. Collection method: curation. Allele origin: germline.

Ambry Genetics
Classification: Likely benign for Hereditary cancer-predisposing syndrome. Last evaluated: 2018-07-20. Review status: criteria provided, single submitter. Criteria: Ambry Variant Classification Scheme 2023. Collection method: clinical testing. Allele origin: germline.

Women's Health and Genetics/Laboratory Corporation of America, LabCorp
Classification: Benign. Last evaluated: 2018-05-18. Review status: criteria provided, single submitter. Criteria: LabCorp Variant Classification Summary - May 2015. Collection method: clinical testing. Allele origin: germline.
Comment: Variant summary: RAD50 c.3253A>G (p.Ile1085Val) results in a conservative amino acid change in the encoded protein sequence. Three of five in-silico tools predict a benign effect of the variant on protein function. The observed variant frequency within African control individuals in the gnomAD database is approximately 50 fold above the estimated maximal expected allele frequency for a pathogenic variant in RAD50 causing Hereditary Breast and Ovarian Cancer phenotype (6.3e-05), strongly suggesting that the variant is a benign polymorphism found primarily in populations of African origin. c.3253A>G has been reported in the literature but does not provide unequivocal conclusions about association of the variant with Hereditary Breast and Ovarian Cancer. To our knowledge, no experimental evidence demonstrating an impact on protein function has been reported. Three clinical diagnostic laboratories have submitted clinical-significance assessments for this variant to ClinVar after 2014 with conflicting interpretations including VUS (1x), likely benign (1x), and benign (1x). Based on the evidence outlined above, the variant was classified as benign.

Literature cited by the submitters: PubMed 33471991 (cited by Quest Diagnostics Nichols Institute San Juan Capistrano); PubMed 23555315 (cited by Quest Diagnostics Nichols Institute San Juan Capistrano and Women's Health and Genetics/Laboratory Corporation of America, LabCorp).

NM_005732.4(RAD50):c.3253A>G (p.Ile1085Val)

Gene: RAD50 (RAD50 double strand break repair protein; plus strand). Cytogenetic location: 5q31.1.
Variant type: single nucleotide variant.
Coding change: c.3253A>G on transcript NM_005732.4 (MANE Select); coding-DNA position 3253, A replaced by G.
Protein change: p.Ile1085Val; replaces isoleucine 1085 with valine.
Molecular consequence: missense variant.
Genome position (GRCh38, 1-based): chr5:132,618,158, A>G. VCF-style: chr5-132618158-A-G. GRCh37 (hg19) VCF-style: chr5-131953850-A-G.
Other names: p.I1085V:ATT>GTT; short protein forms I1085V.
Identifiers: ClinVar variation 128016 (VCV000128016.29), dbSNP rs143189763, ClinGen allele CA331883.